The following is an entry in ClinVar:

ClinVar aggregate classification (germline): Conflicting classifications of pathogenicity. Review status: criteria provided, conflicting classifications (1 of 4 stars). 7 submissions from 7 submitters: Uncertain significance (3); Benign (1); Likely benign (3). Last evaluated 2025-12-15.

Conditions:
Hereditary cancer-predisposing syndrome. Also called: Hereditary neoplastic syndrome; Neoplastic Syndromes, Hereditary; Hereditary Cancer Syndrome; Tumor predisposition. Identifiers: Orphanet 140162, MedGen C0027672, MeSH D009386, MONDO:0015356.
RAD50-related disorder. Also called: RAD50-related condition.
Nijmegen breakage syndrome-like disorder (NBSLD). Also called: MICROCEPHALY AND SPONTANEOUS CHROMOSOME INSTABILITY WITHOUT IMMUNODEFICIENCY; NBS-LIKE DISORDER; RAD50 DEFICIENCY. Identifiers: Orphanet 240760, MedGen C2751318, MONDO:0013118, OMIM 613078.

Allele frequency attached by ClinVar (database versions not stated): gnomAD exomes 0.00004 and 0.00010; ExAC 0.00012; 1000 Genomes Project 30x 0.00016; gnomAD 0.00023 and 0.00025; TOPMed 0.00035; ESP Exome Variant Server 0.00085.

Submissions (7):

Labcorp Genetics (formerly Invitae), Labcorp
Classification: Likely benign for Hereditary cancer-predisposing syndrome. Last evaluated: 2025-12-15. Review status: criteria provided, single submitter. Criteria: Invitae Variant Classification Sherloc (09022015). Collection method: clinical testing. Allele origin: germline.

GeneDx
Classification: Uncertain significance. Last evaluated: 2025-08-12. Review status: criteria provided, single submitter. Criteria: GeneDx Variant Classification Process June 2021. Collection method: clinical testing. Allele origin: germline. Affected: yes.
Comment: In silico analysis supports that this missense variant has a deleterious effect on protein structure/function; This variant is associated with the following publications: (PMID: 23555315, 32522261, 27997549, 35534704, 32832836)

Quest Diagnostics Nichols Institute San Juan Capistrano
Classification: Likely benign. Last evaluated: 2025-02-06. Review status: criteria provided, single submitter. Criteria: Quest Diagnostics criteria. Collection method: clinical testing. Allele origin: unknown.

PreventionGenetics, part of Exact Sciences
Classification: Uncertain significance for RAD50-related condition. Last evaluated: 2022-09-29. Review status: criteria provided, single submitter. Criteria: ACMG Guidelines, 2015. Collection method: clinical testing. Allele origin: germline.
Comment: The RAD50 c.3455G>A variant is predicted to result in the amino acid substitution p.Arg1152Gln. This variant was reported in an individual with breast or Lynch syndrome (Table S1 - Velázquez et al. 2020. PubMed ID: 32522261). This variant is reported in 0.11% of alleles in individuals of African descent in gnomAD. In ClinVar this variant has conflicting interpretations of pathogenicity of benign, likely benign, and uncertain. Although we suspect that this variant may be benign, at this time, the clinical significance of this variant is uncertain due to the absence of conclusive functional and genetic evidence.

Women's Health and Genetics/Laboratory Corporation of America, LabCorp
Classification: Likely benign. Last evaluated: 2022-01-22. Review status: criteria provided, single submitter. Criteria: LabCorp Variant Classification Summary - May 2015. Collection method: clinical testing. Allele origin: germline.

Sema4
Classification: Uncertain significance for Nijmegen breakage syndrome-like disorder. Last evaluated: 2021-08-23. Review status: criteria provided, single submitter. Criteria: Sema4 Curation Guidelines. Collection method: curation. Allele origin: germline.
Comment: The RAD50 c.3455G>A (p.R1152Q) variant has been reported in heterozygosity in at least one individual being evaluated for HBOC or HNPCC (PMID: 32522261). It was observed in 28/24954 chromosomes of the African/African American subpopulation, with no homozygotes, in the large and broad cohorts of the Genome Aggregation Database (PMID: 32461654). The variant has been reported in ClinVar (Variation ID 128019). Functional studies have not been performed, and in silico predictions of the variant's effect on protein function are inconclusive. The evidence is insufficient to meet ACMG/AMP criteria for classifying the variant as benign or pathogenic. Thus, the clinical significance of this variant is currently uncertain.

Ambry Genetics
Classification: Benign for Hereditary cancer-predisposing syndrome. Last evaluated: 2016-02-18. Review status: criteria provided, single submitter. Criteria: Ambry Variant Classification Scheme 2023. Collection method: clinical testing. Allele origin: germline.

Literature cited by the submitters: PubMed 27997549 (cited by Quest Diagnostics Nichols Institute San Juan Capistrano); PubMed 23555315 (cited by Quest Diagnostics Nichols Institute San Juan Capistrano); PubMed 32832836 (cited by Quest Diagnostics Nichols Institute San Juan Capistrano); PubMed 32522261 (cited by Quest Diagnostics Nichols Institute San Juan Capistrano and Sema4).

NM_005732.4(RAD50):c.3455G>A (p.Arg1152Gln)

Genes: RAD50 (RAD50 double strand break repair protein; plus strand), TH2-LCR (Th2 cytokine locus control region; plus strand), TH2LCRR (T helper type 2 locus control region associated RNA; minus strand). Cytogenetic location: 5q31.1.
Variant type: single nucleotide variant.
Coding change: c.3455G>A on transcript NM_005732.4 (MANE Select); coding-DNA position 3455, G replaced by A.
Protein change: p.Arg1152Gln; replaces arginine 1152 with glutamine.
Molecular consequence: missense variant.
Genome position (GRCh38, 1-based): chr5:132,637,180, G>A. VCF-style: chr5-132637180-G-A. GRCh37 (hg19) VCF-style: chr5-131972872-G-A.
Other names: p.R1152Q:CGA>CAA; short protein forms R1152Q.
Identifiers: ClinVar variation 128019 (VCV000128019.23), dbSNP rs144253015, ClinGen allele CA331885.
Genomic context (GRCh38, chr5:132,637,180, plus strand): 5'-TAATGAAATTTCACAGTATGAAAATGGAAGAAATCAATAAAATTATACGTGACCTGTGGC[G>A]AAGTACCTATCGTGGACAAGGTGAGTACCATGGTGTATCACAAATGCTCTTTCCAAAGCC-3'
Protein context (NP_005723.2, residues 1142-1162): EINKIIRDLW[Arg1152Gln]STYRGQDIEY